The following is an entry in ClinVar:

ClinVar aggregate classification (germline): Uncertain significance (1 of 4 stars; one submission).

Conditions:
Congenital hyperammonemia, type I. Also called: Carbamoyl phosphate synthetase 1 deficiency; Hyperammonemia due to carbamoyl phosphate synthetase 1 deficiency; CPS 1 deficiency; Carbamyl phosphate synthetase (CPS) deficiency; Carbamoyl phosphate synthetase I deficiency disease; CPS I DEFICIENCY. Identifiers: Orphanet 147, MedGen C4082171, MONDO:0009376, OMIM 237300.

gnomAD v4.1: 12 of 1,612,326 alleles (0.00074%); highest among the groups gnomAD compares: South Asian, 0.0011%; no homozygotes.

Submission:

Labcorp Genetics (formerly Invitae), Labcorp
Classification: Uncertain significance for Congenital hyperammonemia, type I. Last evaluated: 2022-06-05. Review status: criteria provided, single submitter. Criteria: Invitae Variant Classification Sherloc (09022015). Collection method: clinical testing. Allele origin: germline.
Comment: This sequence change replaces arginine, which is basic and polar, with histidine, which is basic and polar, at codon 775 of the CPS1 protein (p.Arg775His). This variant is present in population databases (rs766970243, gnomAD 0.0009%). This variant has not been reported in the literature in individuals affected with CPS1-related conditions. ClinVar contains an entry for this variant (Variation ID: 1522349). Algorithms developed to predict the effect of missense changes on protein structure and function are either unavailable or do not agree on the potential impact of this missense change (SIFT: "Deleterious"; PolyPhen-2: "Probably Damaging"; Align-GVGD: "Class C0"). In summary, the available evidence is currently insufficient to determine the role of this variant in disease. Therefore, it has been classified as a Variant of Uncertain Significance.

NM_001875.5(CPS1):c.2324G>A (p.Arg775His)

Gene: CPS1 (carbamoyl-phosphate synthase 1; plus strand). Cytogenetic location: 2q34.
Variant type: single nucleotide variant.
Coding change: c.2324G>A on transcript NM_001875.5 (MANE Select); coding-DNA position 2324, G replaced by A.
Protein change: p.Arg775His; replaces arginine 775 with histidine.
Molecular consequence: missense variant. On other transcripts: non-coding transcript variant (2).
Genome position (GRCh38, 1-based): chr2:210,608,492, G>A. VCF-style: chr2-210608492-G-A. GRCh37 (hg19) VCF-style: chr2-211473216-G-A.
Other names: c.2324G>A, p.Arg775His (NM_001122633.3, NM_001369257.1); c.2357G>A, p.Arg786His (NM_001369256.1); short protein forms R786H, R775H.
Identifiers: ClinVar variation 1522349 (VCV001522349.5), dbSNP rs766970243, ClinGen allele CA2086605.